The following is an entry in ClinVar:

ClinVar aggregate classification (germline): Conflicting classifications of pathogenicity. Review status: criteria provided, conflicting classifications (1 of 4 stars). 6 submissions from 6 submitters: Pathogenic (1); Likely pathogenic (3); Likely benign (1). 1 of the submissions does not count toward it. Last evaluated 2026-05-06.

Conditions:
Usher syndrome. Also called: Usher Syndromes; Usher's syndrome. Identifiers: Orphanet 886, MedGen CN469326, MeSH D052245, MONDO:0019501. Disease mechanism: loss of function.
ADGRV1-related disorder. Also called: ADGRV1-related disorders; ADGRV1-related condition.
Usher syndrome type 2C. Also called: USHER SYNDROME, TYPE IIC; Usher syndrome, type 2B. Identifiers: Orphanet 231178, Orphanet 886, MedGen C2931213, MONDO:0011558, OMIM 605472.

Allele frequency attached by ClinVar (database versions not stated): gnomAD exomes below 0.00001.
gnomAD v4.1: 1 of 1,569,612 alleles (0.000064%); highest among the groups gnomAD compares: East Asian, 0.0023%; no homozygotes.

Submissions (6):

Department of Molecular Genetics, Istishari Arab Hospital
Classification: Likely pathogenic for Usher syndrome type 2C. Last evaluated: 2026-05-06. Review status: criteria provided, single submitter. Criteria: ACMG Guidelines, 2015. Collection method: clinical testing. Allele origin: germline. Inheritance: Autosomal recessive inheritance. Affected: yes.
Comment: The ADGRV1 variant c.2898G>A p.((=)) is predicted not to change the amino acid sequence. The substitution is in close proximity to the highly conserved donor splice site. According to HGMD Professional 2021.3, this variant has previously been described as disease-causing for Hearing loss by Abu Rayyan et al., 2020 (PMID: 32747562). In this paper, they reported this variant in 2 Palestinian families in children with apparently nonsyndromic hearing loss, while this damaging variant was identified in a gene associated with syndromic conditions. They also stated that syndromic features due to mutation in this gene may appear years after the onset of hearing loss. It is classified as likely pathogenic based on ACMG/AMP/ClinGen SVI guidelines

Women's Health and Genetics/Laboratory Corporation of America, LabCorp
Classification: Pathogenic for Usher syndrome. Last evaluated: 2025-03-12. Review status: criteria provided, single submitter. Criteria: LabCorp Variant Classification Summary - May 2015. Collection method: clinical testing. Allele origin: germline.
Comment: Variant summary: ADGRV1 c.2898G>A (p.Glu966Glu) alters a conserved nucleotide located close to a canonical splice site and therefore could affect mRNA splicing, leading to a significantly altered protein sequence. Several computational tools predict a significant impact on normal splicing: Three predict the variant weakens the canonical 5' donor site. One predict the variant no significant impact on splicing. At least one publication reports experimental evidence that this variant affects mRNA splicing by deleting a freagment of mRNA and producing an early stop codon (Abu Rayyan_2020). The variant was absent in 232138 control chromosomes.c.2898G>A has been reported in the literature in multiple individuals affected with aurosomal recessive hearing loss (Abu Rayyan_2020). These data indicate that the variant is very likely to be associated with disease. The following publication has been ascertained in the context of this evaluation (PMID: 32747562). ClinVar contains an entry for this variant (Variation ID: 402257). Based on the evidence outlined above, the variant was classified as pathogenic.

PreventionGenetics, part of Exact Sciences
Classification: Likely benign for ADGRV1-related condition. Last evaluated: 2024-11-03. Review status: criteria provided, single submitter. Criteria: ACMG Guidelines, 2015. Collection method: clinical testing. Allele origin: germline.
Comment: This variant is classified as likely benign based on ACMG/AMP sequence variant interpretation guidelines (Richards et al. 2015 PMID: 25741868, with internal and published modifications).

Blueprint Genetics
Classification: Likely pathogenic for ADGRV1-related disorders. Last evaluated: 2022-08-03. Review status: criteria provided, single submitter. Criteria: ACMG Guidelines, 2015. Collection method: clinical testing. Allele origin: germline. Affected: yes. Observed: 2 variant alleles.

King Laboratory, University of Washington
Classification: Likely pathogenic for Usher syndrome type 2C. Last evaluated: 2020-08-01. Review status: criteria provided, single submitter. Criteria: Abu Rayyan A et al. (Proc Natl Acad Sci U S A 2020). Collection method: research. Allele origin: germline. Affected: yes.
Comment: Analysis of patient-derived RNA indicates that ADGRV1 c.2898+1G>A disrupts the donor splice site of exon 15, leading to transcriptional loss of exons 14-15 and of protein residues 852-966 in the calcium-binding domain of ADGRV1 (Abu Rayyan 2020). The variant is homozygous in 4 children with moderate to severe hearing loss from 2 Palestinian families. The variant is absent from 1300 Palestinian controls and absent from public databases.

Hereditary Research Laboratory, Bethlehem University
Classification: Pathogenic for Usher syndrome type 2C. Last evaluated: 2016-06-04. Review status: no assertion criteria provided. Collection method: research. Allele origin: germline. Affected: yes. Not counted in ClinVar's aggregate classification.
Comment: congenital, moderate to severe

Literature cited by the submitters: PubMed 32747562 (cited by Department of Molecular Genetics, Istishari Arab Hospital and Women's Health and Genetics/Laboratory Corporation of America, LabCorp).

NM_032119.4(ADGRV1):c.2898G>A (p.Glu966=)

Gene: ADGRV1 (adhesion G protein-coupled receptor V1; plus strand). Cytogenetic location: 5q14.3.
Variant type: single nucleotide variant.
Coding change: c.2898G>A on transcript NM_032119.4 (MANE Select); coding-DNA position 2898, G replaced by A.
Protein change: p.Glu966=; no amino-acid change (glutamic acid 966 retained).
Molecular consequence: synonymous variant. On other transcripts: non-coding transcript variant (1).
Genome position (GRCh38, 1-based): chr5:90,644,869, G>A. VCF-style: chr5-90644869-G-A. GRCh37 (hg19) VCF-style: chr5-89940686-G-A.
Other names: NM_032119.3:c.2898G>A, p.(=); p.(=).
Identifiers: ClinVar variation 402257 (VCV000402257.6), dbSNP rs1060499796, ClinGen allele CA16609560.